The following is an entry in ClinVar:

NM_004177.5(STX3):c.274C>T (p.Arg92Trp)

Gene: STX3 (syntaxin 3; plus strand). Cytogenetic location: 11q12.1.
Variant type: single nucleotide variant.
Coding change: c.274C>T on transcript NM_004177.5 (MANE Select); coding-DNA position 274, C replaced by T.
Protein change: p.Arg92Trp; replaces arginine 92 with tryptophan.
Molecular consequence: missense variant.
Genome position (GRCh38, 1-based): chr11:59,788,932, C>T. VCF-style: chr11-59788932-C-T. GRCh37 (hg19) VCF-style: chr11-59556405-C-T.
Other names: c.274C>T, p.Arg92Trp (NM_001178040.3); short protein forms R92W.
Identifiers: ClinVar variation 1385025 (VCV001385025.5), dbSNP rs763432920, ClinGen allele CA6020796.

ClinVar aggregate classification (germline): Uncertain significance. Review status: criteria provided, multiple submitters, no conflicts (2 of 4 stars). 2 submissions from 2 submitters: Uncertain significance (2). Last evaluated 2025-04-25.

Conditions:
Inborn genetic diseases. Identifiers: MedGen C0950123, MeSH D030342.

Allele frequency attached by ClinVar (database versions not stated): ExAC 0.00001; gnomAD 0.00003 and 0.00004; gnomAD exomes 0.00004 and 0.00009; TOPMed 0.00004.

Submissions (2):

Ambry Genetics
Classification: Uncertain significance for Inborn genetic diseases. Last evaluated: 2025-04-25. Review status: criteria provided, single submitter. Criteria: Ambry Variant Classification Scheme 2023. Collection method: clinical testing. Allele origin: germline.

Labcorp Genetics (formerly Invitae), Labcorp
Classification: Uncertain significance. Last evaluated: 2022-08-21. Review status: criteria provided, single submitter. Criteria: Invitae Variant Classification Sherloc (09022015). Collection method: clinical testing. Allele origin: germline.
Comment: This sequence change replaces arginine, which is basic and polar, with tryptophan, which is neutral and slightly polar, at codon 92 of the STX3 protein (p.Arg92Trp). This variant is present in population databases (rs763432920, gnomAD 0.02%). This variant has not been reported in the literature in individuals affected with STX3-related conditions. ClinVar contains an entry for this variant (Variation ID: 1385025). Algorithms developed to predict the effect of missense changes on protein structure and function are either unavailable or do not agree on the potential impact of this missense change (SIFT: "Deleterious"; PolyPhen-2: "Probably Damaging"; Align-GVGD: "Class C0"). In summary, the available evidence is currently insufficient to determine the role of this variant in disease. Therefore, it has been classified as a Variant of Uncertain Significance.